The following is an entry in ClinVar:

ClinVar aggregate classification (germline): Uncertain significance (1 of 4 stars; one submission).

Allele frequency attached by ClinVar (database versions not stated): TOPMed below 0.00001; gnomAD exomes below 0.00001.
gnomAD v4.1: 6 of 1,614,084 alleles (0.00037%); highest among the groups gnomAD compares: Non-Finnish European, 0.00051%; no homozygotes.

Submission:

Labcorp Genetics (formerly Invitae), Labcorp
Classification: Uncertain significance. Last evaluated: 2025-10-27. Review status: criteria provided, single submitter. Criteria: Invitae Variant Classification Sherloc (09022015). Collection method: clinical testing. Allele origin: germline.
Comment: This sequence change replaces arginine, which is basic and polar, with isoleucine, which is neutral and non-polar, at codon 1924 of the CACNA1D protein (p.Arg1924Ile). This variant is not present in population databases (gnomAD no frequency). This variant has not been reported in the literature in individuals affected with CACNA1D-related conditions. ClinVar contains an entry for this variant (Variation ID: 2989352). An algorithm developed to predict the effect of missense changes on protein structure and function (PolyPhen-2) suggests that this variant is likely to be disruptive. In summary, the available evidence is currently insufficient to determine the role of this variant in disease. Therefore, it has been classified as a Variant of Uncertain Significance.

NM_001128840.3(CACNA1D):c.5711G>T (p.Arg1904Ile)

Gene: CACNA1D (calcium voltage-gated channel subunit alpha1 D; plus strand). Cytogenetic location: 3p21.1.
Variant type: single nucleotide variant.
Coding change: c.5711G>T on transcript NM_001128840.3 (MANE Select); coding-DNA position 5711, G replaced by T.
Protein change: p.Arg1904Ile; replaces arginine 1904 with isoleucine.
Molecular consequence: missense variant.
Genome position (GRCh38, 1-based): chr3:53,805,108, G>T. VCF-style: chr3-53805108-G-T. GRCh37 (hg19) VCF-style: chr3-53839135-G-T.
Other names: c.5771G>T, p.Arg1924Ile (NM_000720.4); c.5639G>T, p.Arg1880Ile (NM_001128839.3); short protein forms R1904I, R1924I, R1880I.
Identifiers: ClinVar variation 2989352 (VCV002989352.3), dbSNP rs2095555499, ClinGen allele CA353254751.